The following is an entry in ClinVar:

NM_130837.3(OPA1):c.737C>T (p.Ala246Val)

Genes: OPA1 (OPA1 mitochondrial dynamin like GTPase; plus strand), OPA1-AS1 (OPA1 antisense RNA 1; minus strand). Cytogenetic location: 3q29.
Variant type: single nucleotide variant.
Coding change: c.737C>T on transcript NM_130837.3 (MANE Select); coding-DNA position 737, C replaced by T.
Protein change: p.Ala246Val; replaces alanine 246 with valine.
Molecular consequence: missense variant. On other transcripts: intron variant (5).
Genome position (GRCh38, 1-based): chr3:193,626,150, C>T. VCF-style: chr3-193626150-C-T. GRCh37 (hg19) VCF-style: chr3-193343939-C-T.
Other names: c.203C>T, p.Ala68Val (NM_001354663.2); c.575C>T, p.Ala192Val (NM_130833.3); c.629C>T, p.Ala210Val (NM_130835.3); c.683C>T, p.Ala228Val (NM_130836.3); c.253-5462C>T (NM_001354664.2); c.679-5462C>T (NM_130834.3); c.625-5462C>T (NM_015560.3); c.571-5462C>T (NM_130832.3); and 2 more; short protein forms A192V, A210V, A228V, A246V, A68V.
Identifiers: ClinVar variation 1316000 (VCV001316000.8), dbSNP rs147094219, ClinGen allele CA2759128.

ClinVar aggregate classification (germline): Conflicting classifications of pathogenicity. Review status: criteria provided, conflicting classifications (1 of 4 stars). 4 submissions from 4 submitters: Uncertain significance (3); Likely benign (1). Last evaluated 2025-12-18.

Conditions:
OPA1-related disorder. Also called: OPA1-related condition; OPA1-related disorders.

Allele frequency attached by ClinVar (database versions not stated): gnomAD exomes 0.00004 and 0.00011; TOPMed 0.00004; gnomAD 0.00005; ExAC 0.00007; ESP Exome Variant Server 0.00015.
gnomAD v4.1: 169 of 1,613,908 alleles (0.01%); highest among the groups gnomAD compares: East Asian, 0.02%; no homozygotes.

Submissions (4):

PreventionGenetics, part of Exact Sciences
Classification: Uncertain significance for OPA1-related condition. Last evaluated: 2025-12-18. Review status: criteria provided, single submitter. Criteria: ACMG Guidelines, 2015. Collection method: clinical testing. Allele origin: germline.
Comment: The OPA1 c.737C>T variant is predicted to result in the amino acid substitution p.Ala246Val. This variant is deep intronic in transcript NM_015560: c.625-5462C>T. To our knowledge, this variant has not been reported in the literature. This variant is present in 0.0079% of alleles in individuals of European (Non-Finnish) descent in gnomAD. At this time, the clinical significance of this variant is uncertain due to the absence of conclusive functional and genetic evidence.

Labcorp Genetics (formerly Invitae), Labcorp
Classification: Uncertain significance. Last evaluated: 2025-08-06. Review status: criteria provided, single submitter. Criteria: Invitae Variant Classification Sherloc (09022015). Collection method: clinical testing. Allele origin: germline.
Comment: The OPA1 gene has multiple clinically relevant transcripts. This variant occurs in alternate transcript NM_130837.2, and corresponds to NM_015560.2:c.625-5462C>T in the primary transcript. This sequence change replaces alanine, which is neutral and non-polar, with valine, which is neutral and non-polar, at codon 246 of the OPA1 protein (p.Ala246Val). This variant is present in population databases (rs147094219, gnomAD 0.01%). This variant has not been reported in the literature in individuals affected with OPA1-related conditions. ClinVar contains an entry for this variant (Variation ID: 1316000). Experimental studies and prediction algorithms are not available or were not evaluated, and the functional significance of this variant is currently unknown. Algorithms developed to predict the effect of sequence changes on RNA splicing suggest that this variant is not likely to affect RNA splicing. In summary, the available evidence is currently insufficient to determine the role of this variant in disease. Therefore, it has been classified as a Variant of Uncertain Significance.

Blueprint Genetics
Classification: Likely benign. Last evaluated: 2024-10-17. Review status: criteria provided, single submitter. Criteria: ACMG Guidelines, 2015. Collection method: clinical testing. Allele origin: germline.

GeneDx
Classification: Uncertain significance. Last evaluated: 2019-12-06. Review status: criteria provided, single submitter. Criteria: GeneDx Variant Classification Process June 2021. Collection method: clinical testing. Allele origin: germline. Affected: yes.
Comment: In silico analysis, which includes splice predictors and evolutionary conservation, supports that this variant does not alter protein structure/function; Has not been previously published as pathogenic or benign to our knowledge